The following is an entry in ClinVar:

ClinVar aggregate classification (germline): Uncertain significance. Review status: criteria provided, multiple submitters, no conflicts (2 of 4 stars). 2 submissions from 2 submitters: Uncertain significance (2). Last evaluated 2025-11-15.

Conditions:
Inborn genetic diseases. Identifiers: MedGen C0950123, MeSH D030342.

Allele frequency attached by ClinVar (database versions not stated): gnomAD exomes below 0.00001; ExAC 0.00001; gnomAD 0.00002 and 0.00003; TOPMed 0.00003; ESP Exome Variant Server 0.00008.

Submissions (2):

Labcorp Genetics (formerly Invitae), Labcorp
Classification: Uncertain significance. Last evaluated: 2025-11-15. Review status: criteria provided, single submitter. Criteria: Invitae Variant Classification Sherloc (09022015). Collection method: clinical testing. Allele origin: germline.
Comment: This sequence change replaces proline, which is neutral and non-polar, with serine, which is neutral and polar, at codon 141 of the TSPAN12 protein (p.Pro141Ser). This variant is not present in population databases (gnomAD no frequency). This variant has not been reported in the literature in individuals affected with TSPAN12-related conditions. ClinVar contains an entry for this variant (Variation ID: 1518819). Invitae Evidence Modeling of protein sequence and biophysical properties (such as structural, functional, and spatial information, amino acid conservation, physicochemical variation, residue mobility, and thermodynamic stability) indicates that this missense variant is not expected to disrupt TSPAN12 protein function with a negative predictive value of 80%. In summary, the available evidence is currently insufficient to determine the role of this variant in disease. Therefore, it has been classified as a Variant of Uncertain Significance.

Ambry Genetics
Classification: Uncertain significance for Inborn genetic diseases. Last evaluated: 2025-08-03. Review status: criteria provided, single submitter. Criteria: Ambry Variant Classification Scheme 2023. Collection method: clinical testing. Allele origin: germline.

NM_012338.4(TSPAN12):c.421C>T (p.Pro141Ser)

Gene: TSPAN12 (tetraspanin 12; minus strand). Cytogenetic location: 7q31.31.
Variant type: single nucleotide variant.
Coding change: c.421C>T on transcript NM_012338.4 (MANE Select); coding-DNA position 421, C replaced by T.
Protein change: p.Pro141Ser; replaces proline 141 with serine.
Molecular consequence: missense variant.
Genome position (GRCh38, 1-based): chr7:120,810,510, G>A on the plus strand (C>T on the coding strand, the complement: TSPAN12 is on the minus strand). VCF-style: chr7-120810510-G-A. GRCh37 (hg19) VCF-style: chr7-120450564-G-A.
Other names: c.421C>T (NM_012338.3); short protein forms P141S.
Identifiers: ClinVar variation 1518819 (VCV001518819.7), dbSNP rs149800297, ClinGen allele CA4453897.